The following is an entry in ClinVar:

ClinVar aggregate classification (germline): Benign. Review status: criteria provided, multiple submitters, no conflicts (2 of 4 stars). 6 submissions from 6 submitters: Benign (5). 1 of the submissions does not count toward it. Last evaluated 2026-02-02.

Conditions:
Usher syndrome type 2C. Also called: Usher syndrome, type 2B; USHER SYNDROME, TYPE IIC. Identifiers: Orphanet 231178, Orphanet 886, MedGen C2931213, MONDO:0011558, OMIM 605472.

Allele frequency attached by ClinVar (database versions not stated): gnomAD exomes 0.00346 and 0.01003; ExAC 0.02398; ESP Exome Variant Server 0.03419; gnomAD 0.03559 and 0.03806; 1000 Genomes Project 0.03894; 1000 Genomes Project 30x 0.04013; TOPMed 0.04049.

Submissions (6):

Labcorp Genetics (formerly Invitae), Labcorp
Classification: Benign. Last evaluated: 2026-02-02. Review status: criteria provided, single submitter. Criteria: Invitae Variant Classification Sherloc (09022015). Collection method: clinical testing. Allele origin: germline.

Illumina Laboratory Services, Illumina
Classification: Benign for Usher syndrome type 2C. Last evaluated: 2018-01-12. Review status: criteria provided, single submitter. Criteria: ICSL Variant Classification Criteria 13 December 2019. Collection method: clinical testing. Allele origin: germline.
Comment: This variant was observed in the ICSL laboratory as part of a predisposition screen in an ostensibly healthy population. It had not been previously curated by ICSL or reported in the Human Gene Mutation Database (HGMD: prior to June 1st, 2018), and was therefore a candidate for classification through an automated scoring system. Utilizing variant allele frequency, disease prevalence and penetrance estimates, and inheritance mode, an automated score was calculated to assess if this variant is too frequent to cause the disease. Based on the score and internal cut-off values, a variant classified as benign is not then subjected to further curation. The score for this variant resulted in a classification of benign for this disease.

Athena Diagnostics
Classification: Benign. Last evaluated: 2017-09-21. Review status: criteria provided, single submitter. Criteria: Athena Diagnostics Criteria. Collection method: clinical testing. Allele origin: germline.

GeneDx
Classification: Benign. Last evaluated: 2014-03-21. Review status: criteria provided, single submitter. Criteria: GeneDx Variant Classification (06012015). Collection method: clinical testing. Allele origin: germline. Affected: yes.
Comment: This variant is considered likely benign or benign based on one or more of the following criteria: it is a conservative change, it occurs at a poorly conserved position in the protein, it is predicted to be benign by multiple in silico algorithms, and/or has population frequency not consistent with disease.

Laboratory for Molecular Medicine, Mass General Brigham Personalized Medicine
Classification: Benign. Last evaluated: 2013-07-25. Review status: criteria provided, single submitter. Criteria: LMM Criteria. Collection method: clinical testing. Allele origin: germline. Observed: 43 variant alleles.
Comment: This variant is not expected to have clinical significance because it is has bee n identified in 11% (317/2884) of African American chromosomes from a broad popu lation by the NHLBI Exome sequencing project (dbSNP rs62000408).

Genetic Services Laboratory, University of Chicago
Classification: Likely benign. Review status: no assertion criteria provided. Collection method: clinical testing. Allele origin: germline. Inheritance: Autosomal dominant inheritance. Not counted in ClinVar's aggregate classification.
Comment: Likely benign based on allele frequency in 1000 Genomes Project or ESP global frequency and its presence in a patient with a rare or unrelated disease phenotype. NOT Sanger confirmed

NM_032119.4(ADGRV1):c.14029T>C (p.Phe4677Leu)

Gene: ADGRV1 (adhesion G protein-coupled receptor V1; plus strand). Cytogenetic location: 5q14.3.
Variant type: single nucleotide variant.
Coding change: c.14029T>C on transcript NM_032119.4 (MANE Select); coding-DNA position 14029, T replaced by C.
Protein change: p.Phe4677Leu; replaces phenylalanine 4677 with leucine.
Molecular consequence: missense variant. On other transcripts: non-coding transcript variant (1).
Genome position (GRCh38, 1-based): chr5:90,789,837, T>C. VCF-style: chr5-90789837-T-C. GRCh37 (hg19) VCF-style: chr5-90085654-T-C.
Other names: p.F4677L:TTT>CTT; short protein forms F4677L.
Identifiers: ClinVar variation 46269 (VCV000046269.21), dbSNP rs62000408, ClinGen allele CA138028.